The following is an entry in ClinVar:

ClinVar aggregate classification (germline): Uncertain significance (1 of 4 stars; one submission).

Allele frequency attached by ClinVar (database versions not stated): TOPMed below 0.00001.

Submission:

GeneDx
Classification: Uncertain significance. Last evaluated: 2022-02-22. Review status: criteria provided, single submitter. Criteria: GeneDx Variant Classification Process June 2021. Collection method: clinical testing. Allele origin: germline. Affected: yes.
Comment: Not observed at significant frequency in large population cohorts (gnomAD); In silico analysis supports that this missense variant has a deleterious effect on protein structure/function; Has not been previously published as pathogenic or benign to our knowledge; Variants in candidate genes are classified as variants of uncertain significance in accordance with ACMG guidelines (Richards et al., 2015)

NM_002804.5(PSMC3):c.755C>T (p.Ala252Val)

Gene: PSMC3 (proteasome 26S subunit, ATPase 3; minus strand). Cytogenetic location: 11p11.2.
Variant type: single nucleotide variant.
Coding change: c.755C>T on transcript NM_002804.5 (MANE Select); coding-DNA position 755, C replaced by T.
Protein change: p.Ala252Val; replaces alanine 252 with valine.
Molecular consequence: missense variant.
Genome position (GRCh38, 1-based): chr11:47,422,703, G>A on the plus strand (C>T on the coding strand, the complement: PSMC3 is on the minus strand). VCF-style: chr11-47422703-G-A. GRCh37 (hg19) VCF-style: chr11-47444254-G-A.
Other names: short protein forms A252V.
Identifiers: ClinVar variation 2504963 (VCV002504963.1), dbSNP rs1347753543, ClinGen allele CA380319369.